The following is an entry in ClinVar:

ClinVar aggregate classification (germline): Uncertain significance (1 of 4 stars; one submission).

Submission:

Labcorp Genetics (formerly Invitae), Labcorp
Classification: Uncertain significance. Last evaluated: 2023-05-08. Review status: criteria provided, single submitter. Criteria: Invitae Variant Classification Sherloc (09022015). Collection method: clinical testing. Allele origin: germline.
Comment: In summary, the available evidence is currently insufficient to determine the role of this variant in disease. Therefore, it has been classified as a Variant of Uncertain Significance. Advanced modeling of protein sequence and biophysical properties (such as structural, functional, and spatial information, amino acid conservation, physicochemical variation, residue mobility, and thermodynamic stability) performed at Invitae indicates that this missense variant is expected to disrupt SBF1 protein function. ClinVar contains an entry for this variant (Variation ID: 1497813). This variant has not been reported in the literature in individuals affected with SBF1-related conditions. This variant is not present in population databases (gnomAD no frequency). This sequence change replaces glutamine, which is neutral and polar, with proline, which is neutral and non-polar, at codon 1241 of the SBF1 protein (p.Gln1241Pro).

NM_002972.4(SBF1):c.3722A>C (p.Gln1241Pro)

Gene: SBF1 (SET binding factor 1; minus strand). Cytogenetic location: 22q13.33.
Variant type: single nucleotide variant.
Coding change: c.3722A>C on transcript NM_002972.4 (MANE Select); coding-DNA position 3722, A replaced by C.
Protein change: p.Gln1241Pro; replaces glutamine 1241 with proline.
Molecular consequence: missense variant.
Genome position (GRCh38, 1-based): chr22:50,459,359, T>G on the plus strand (A>C on the coding strand, the complement: SBF1 is on the minus strand). VCF-style: chr22-50459359-T-G. GRCh37 (hg19) VCF-style: chr22-50897788-T-G.
Other names: c.3725A>C, p.Gln1242Pro (NM_001365819.1); short protein forms Q1241P, Q1242P.
Identifiers: ClinVar variation 1497813 (VCV001497813.8), dbSNP rs2148582674, ClinGen allele CA412203369.